The following is an entry in ClinVar:

NM_000489.6(ATRX):c.6487T>C (p.Tyr2163His)

Gene: ATRX (ATRX chromatin remodeler; minus strand). Cytogenetic location: Xq21.1.
Variant type: single nucleotide variant.
Coding change: c.6487T>C on transcript NM_000489.6 (MANE Select); coding-DNA position 6487, T replaced by C.
Protein change: p.Tyr2163His; replaces tyrosine 2163 with histidine.
Molecular consequence: missense variant.
Genome position (GRCh38, 1-based): chrX:77,558,686, A>G on the plus strand (T>C on the coding strand, the complement: ATRX is on the minus strand). VCF-style: chrX-77558686-A-G. GRCh37 (hg19) VCF-style: chrX-76814157-A-G.
Other names: c.6373T>C, p.Tyr2125His (NM_138270.5); short protein forms Y2163H, Y2125H.
Identifiers: ClinVar variation 2694875 (VCV002694875.3), dbSNP rs2147946966, ClinGen allele CA413699005.

ClinVar aggregate classification (germline): Uncertain significance (1 of 4 stars; one submission).

Conditions:
Alpha thalassemia-X-linked intellectual disability syndrome (ATRX). Also called: ALPHA-THALASSEMIA/MENTAL RETARDATION SYNDROME, X-LINKED; ATR, NONDELETION TYPE; ATR-X syndrome; Alpha thalassemia mental retardation syndrome, nondeletion type, X-linked; XLMR hypotonic face syndrome; X-linked alpha-thalassemia-mental retardation syndrome. Identifiers: Orphanet 847, MedGen C1845055, MONDO:0010519, OMIM 301040.

Submission:

Labcorp Genetics (formerly Invitae), Labcorp
Classification: Uncertain significance for Alpha thalassemia-X-linked intellectual disability syndrome. Last evaluated: 2023-11-10. Review status: criteria provided, single submitter. Criteria: Invitae Variant Classification Sherloc (09022015). Collection method: clinical testing. Allele origin: germline.
Comment: This sequence change replaces tyrosine, which is neutral and polar, with histidine, which is basic and polar, at codon 2163 of the ATRX protein (p.Tyr2163His). This variant is not present in population databases (gnomAD no frequency). This variant has not been reported in the literature in individuals affected with ATRX-related conditions. Advanced modeling of protein sequence and biophysical properties (such as structural, functional, and spatial information, amino acid conservation, physicochemical variation, residue mobility, and thermodynamic stability) performed at Invitae indicates that this missense variant is expected to disrupt ATRX protein function with a positive predictive value of 80%. In summary, the available evidence is currently insufficient to determine the role of this variant in disease. Therefore, it has been classified as a Variant of Uncertain Significance.